The following is an entry in ClinVar:

ClinVar aggregate classification (germline): Uncertain significance (1 of 4 stars; one submission).

Conditions:
Simpson-Golabi-Behmel syndrome type 1 (SGBS1). Also called: BULLDOG SYNDROME; DYSPLASIA GIGANTISM SYNDROME, X-LINKED; GOLABI-ROSEN SYNDROME; SIMPSON DYSMORPHIA SYNDROME; GPC3-Related Simpson-Golabi-Behmel Syndrome Type 1. Identifiers: Orphanet 373, MedGen C0796154, MONDO:0020602, OMIM 312870.

Submission:

3billion
Classification: Uncertain significance for Simpson-Golabi-Behmel syndrome type 1. Last evaluated: 2024-08-28. Review status: criteria provided, single submitter. Criteria: ACMG Guidelines, 2015. Collection method: clinical testing. Allele origin: germline. Affected: yes.
Comment: The variant is not observed in the gnomAD v4.0.0 dataset. Predicted Consequence/Location: Inframe deletion located in a nonrepeat region: predicted to change the length of the protein and disrupt normal protein function. Therefore, this variant is classified as VUS according to the recommendation of ACMG/AMP guideline.

NM_004484.4(GPC3):c.1198_1227del (p.Ser400_Ile409del)

Gene: GPC3 (glypican 3; minus strand). Cytogenetic location: Xq26.2.
Variant type: Deletion.
Coding change: c.1198_1227del on transcript NM_004484.4 (MANE Select); coding-DNA positions 1198 to 1227, 30 bases deleted (AGCTTCTATAGTGCTTTGCCTGGCTACATC).
Protein change: p.Ser400_Ile409del.
Molecular consequence: inframe deletion.
Genome position (GRCh38, 1-based): chrX:133,692,434-133,692,463, GATGTAGCCAGGCAAAGCACTATAGAAGCT deleted on the plus strand (AGCTTCTATAGTGCTTTGCCTGGCTACATC on the coding strand, the reverse complement: GPC3 is on the minus strand); deleting any 30 consecutive bases within chrX:133,692,434-133,692,467 gives the same sequence; the c. name uses the placement nearest the transcript's 3' end. VCF-style (leftmost placement, unchanged base first): chrX-133692433-AGATGTAGCCAGGCAAAGCACTATAGAAGCT-A. GRCh37 (hg19) VCF-style: chrX-132826461-AGATGTAGCCAGGCAAAGCACTATAGAAGCT-A.
Other names: c.1267_1296del, p.Ser423_Ile432del (NM_001164617.2); c.1150_1179del, p.Ser384_Ile393del (NM_001164618.2); c.1036_1065del, p.Ser346_Ile355del (NM_001164619.2).
Identifiers: ClinVar variation 4292234 (VCV004292234.1).